The following is an entry in ClinVar:

NM_005477.3(HCN4):c.1053del (p.Val352fs)

Genes: HCN4 (hyperpolarization activated cyclic nucleotide gated potassium channel 4; minus strand), LOC105370890 (uncharacterized LOC105370890; plus strand), LOC126862173 (CDK7 strongly-dependent group 2 enhancer GRCh37_chr15:73635762-73636961; plus strand). Cytogenetic location: 15q24.1.
Variant type: Deletion.
Coding change: c.1053del on transcript NM_005477.3 (MANE Select); coding-DNA position 1053, one base deleted (C; older notation c.1053delC).
Protein change: p.Val352fs; shifts the reading frame from valine 352.
Molecular consequence: frameshift variant. On other transcripts: non-coding transcript variant (1).
Genome position (GRCh38, 1-based): chr15:73,343,541, G deleted on the plus strand (C on the coding strand, the reverse complement: HCN4 is on the minus strand); the first of 4 consecutive G bases (chr15:73,343,541-73,343,544); deleting any one gives the same sequence. VCF-style (leftmost placement, unchanged base first): chr15-73343540-CG-C. GRCh37 (hg19) VCF-style: chr15-73635881-CG-C.
Other names: short protein forms V352fs.
Identifiers: ClinVar variation 2742737 (VCV002742737.3), dbSNP rs2549074779, ClinGen allele CA2697549204.

ClinVar aggregate classification (germline): Uncertain significance (1 of 4 stars; one submission).

Conditions:
Brugada syndrome 8 (BRGDA8). Identifiers: Orphanet 130, MedGen C2751083, MONDO:0013148, OMIM 613123.

Submission:

Labcorp Genetics (formerly Invitae), Labcorp
Classification: Uncertain significance for Brugada syndrome 8. Last evaluated: 2023-07-12. Review status: criteria provided, single submitter. Criteria: Invitae Variant Classification Sherloc (09022015). Collection method: clinical testing. Allele origin: germline.
Comment: In summary, the available evidence is currently insufficient to determine the role of this variant in disease. Therefore, it has been classified as a Variant of Uncertain Significance. This variant has not been reported in the literature in individuals affected with HCN4-related conditions. This variant is not present in population databases (gnomAD no frequency). This sequence change creates a premature translational stop signal (p.Val352Trpfs*56) in the HCN4 gene. It is expected to result in an absent or disrupted protein product. However, the current clinical and genetic evidence is not sufficient to establish whether loss-of-function variants in HCN4 cause disease.